The following is an entry in ClinVar:

NM_152756.5(RICTOR):c.2572G>C (p.Val858Leu)

Gene: RICTOR (RPTOR independent companion of MTOR complex 2; minus strand). Cytogenetic location: 5p13.1.
Variant type: single nucleotide variant.
Coding change: c.2572G>C on transcript NM_152756.5 (MANE Select); coding-DNA position 2572, G replaced by C.
Protein change: p.Val858Leu; replaces valine 858 with leucine.
Molecular consequence: missense variant.
Genome position (GRCh38, 1-based): chr5:38,955,632, C>G on the plus strand (G>C on the coding strand, the complement: RICTOR is on the minus strand). VCF-style: chr5-38955632-C-G. GRCh37 (hg19) VCF-style: chr5-38955734-C-G.
Other names: c.2572G>C, p.Val858Leu (NM_001285439.2, NM_001438007.1, NM_001438248.1); c.1717G>C, p.Val573Leu (NM_001285440.2); c.2524G>C, p.Val842Leu (NM_001438049.1, NM_001438246.1, NM_001438247.1 and 1 more transcripts); short protein forms V858L, V573L, V842L.
Identifiers: ClinVar variation 4768908 (VCV004768908.1).
Genomic context (GRCh38, chr5:38,955,632, plus strand): 5'-AAATCTGATAACTGGGTACGCACCTTTGGTTACTCCGACGAACATAGTTATCACCATCAA[C>G]AGGCTTCCGGTAAGTAGTAAGTGCTTCATTGAGTTGTTCCTCAATCAAGTCAACATATTT-3'
Protein context (NP_689969.2, residues 848-868): NEALTTYRKP[Val858Leu]DGDNYVRRSN

ClinVar aggregate classification (germline): Uncertain significance (1 of 4 stars; one submission).

gnomAD v4.1: 2 of 1,610,606 alleles (0.00012%); highest among the groups gnomAD compares: South Asian, 0.0022%; no homozygotes.

Submission:

Labcorp Genetics (formerly Invitae), Labcorp
Classification: Uncertain significance. Last evaluated: 2025-06-02. Review status: criteria provided, single submitter. Criteria: Invitae Variant Classification Sherloc (09022015). Collection method: clinical testing. Allele origin: germline.
Comment: This sequence change replaces valine, which is neutral and non-polar, with leucine, which is neutral and non-polar, at codon 858 of the RICTOR protein (p.Val858Leu). This variant is not present in population databases (gnomAD no frequency). This variant has not been reported in the literature in individuals affected with RICTOR-related conditions. An algorithm developed to predict the effect of missense changes on protein structure and function (PolyPhen-2) suggests that this variant is likely to be tolerated. In summary, the available evidence is currently insufficient to determine the role of this variant in disease. Therefore, it has been classified as a Variant of Uncertain Significance.